The following is an entry in ClinVar:

NM_005687.5(FARSB):c.574T>C (p.Tyr192His)

Gene: FARSB (phenylalanyl-tRNA synthetase subunit beta; minus strand). Cytogenetic location: 2q36.1.
Variant type: single nucleotide variant.
Coding change: c.574T>C on transcript NM_005687.5 (MANE Select); coding-DNA position 574, T replaced by C.
Protein change: p.Tyr192His; replaces tyrosine 192 with histidine.
Molecular consequence: missense variant. On other transcripts: non-coding transcript variant (1).
Genome position (GRCh38, 1-based): chr2:222,634,423, A>G on the plus strand (T>C on the coding strand, the complement: FARSB is on the minus strand). VCF-style: chr2-222634423-A-G. GRCh37 (hg19) VCF-style: chr2-223499142-A-G.
Other names: c.574T>C (NM_005687.3); short protein forms Y192H.
Identifiers: ClinVar variation 1671123 (VCV001671123.9), dbSNP rs146807481, ClinGen allele CA2136626.

ClinVar aggregate classification (germline): Conflicting classifications of pathogenicity. Review status: criteria provided, conflicting classifications (1 of 4 stars). 2 submissions from 2 submitters: Uncertain significance (1); Likely benign (1). Last evaluated 2025-12-19.

Conditions:
Inborn genetic diseases. Identifiers: MedGen C0950123, MeSH D030342.

Allele frequency attached by ClinVar (database versions not stated): TOPMed 0.00046; gnomAD exomes 0.00047 and 0.00059; ExAC 0.00058; ESP Exome Variant Server 0.00062; gnomAD 0.00080 and 0.00083.
gnomAD v4.1: 803 of 1,609,348 alleles (0.05%); highest among the groups gnomAD compares: Non-Finnish European, 0.061%; 3 homozygotes.

Submissions (2):

Labcorp Genetics (formerly Invitae), Labcorp
Classification: Likely benign. Last evaluated: 2025-12-19. Review status: criteria provided, single submitter. Criteria: Invitae Variant Classification Sherloc (09022015). Collection method: clinical testing. Allele origin: germline.

Ambry Genetics
Classification: Uncertain significance for Inborn genetic diseases. Last evaluated: 2021-01-27. Review status: criteria provided, single submitter. Criteria: Ambry Variant Classification Scheme 2023. Collection method: clinical testing. Allele origin: germline.
Comment: The c.574T>C (p.Y192H) alteration is located in exon 6 (coding exon 6) of the FARSB gene. This alteration results from a T to C substitution at nucleotide position 574, causing the tyrosine (Y) at amino acid position 192 to be replaced by a histidine (H). The p.Y192H alteration is predicted to be tolerated by in silico analysis. Based on insufficient or conflicting evidence, the clinical significance of this alteration remains unclear.